The following is an entry in ClinVar:

NM_001040151.2(SCN3B):c.541T>A (p.Tyr181Asn)

Gene: SCN3B (sodium voltage-gated channel beta subunit 3; minus strand). Cytogenetic location: 11q24.1.
Variant type: single nucleotide variant.
Coding change: c.541T>A on transcript NM_001040151.2 (MANE Select); coding-DNA position 541, T replaced by A.
Protein change: p.Tyr181Asn; replaces tyrosine 181 with asparagine.
Molecular consequence: missense variant.
Genome position (GRCh38, 1-based): chr11:123,638,229, A>T on the plus strand (T>A on the coding strand, the complement: SCN3B is on the minus strand). VCF-style: chr11-123638229-A-T. GRCh37 (hg19) VCF-style: chr11-123508937-A-T.
Other names: c.541T>A, p.Tyr181Asn (NM_018400.4); short protein forms Y181N.
Identifiers: ClinVar variation 1937416 (VCV001937416.5), dbSNP rs780983107, ClinGen allele CA383070215.
Genomic context (GRCh38, chr11:123,638,229, plus strand): 5'-GGCATCTCTGGACTTACGCGTTTTCTTGGGCTGCCTCTTCGGCTTTTGAGACCTTTCTGT[A>T]GCAATATATCATCTCGATGAGCAGCCACAAGGTGAGGAAGACCAGAAGGATGTACATCAT-3'
Protein context (NP_001035241.1, residues 171-191): LWLLIEMIYC[Tyr181Asn]RKVSKAEEAA

ClinVar aggregate classification (germline): Uncertain significance (1 of 4 stars; one submission).

Conditions:
Brugada syndrome 7 (BRGDA7). Identifiers: Orphanet 130, MedGen C2751088, MONDO:0013146, OMIM 613120.

Submission:

Labcorp Genetics (formerly Invitae), Labcorp
Classification: Uncertain significance for Brugada syndrome 7. Last evaluated: 2022-08-13. Review status: criteria provided, single submitter. Criteria: Invitae Variant Classification Sherloc (09022015). Collection method: clinical testing. Allele origin: germline.
Comment: In summary, the available evidence is currently insufficient to determine the role of this variant in disease. Therefore, it has been classified as a Variant of Uncertain Significance. Algorithms developed to predict the effect of missense changes on protein structure and function (SIFT, PolyPhen-2, Align-GVGD) all suggest that this variant is likely to be disruptive. This variant has not been reported in the literature in individuals affected with SCN3B-related conditions. This variant is not present in population databases (gnomAD no frequency). This sequence change replaces tyrosine, which is neutral and polar, with asparagine, which is neutral and polar, at codon 181 of the SCN3B protein (p.Tyr181Asn).